The following is an entry in ClinVar:

NM_001303256.3(MORC2):c.2504C>T (p.Thr835Met)

Gene: MORC2 (MORC family CW-type zinc finger 2; minus strand). Cytogenetic location: 22q12.2.
Variant type: single nucleotide variant.
Coding change: c.2504C>T on transcript NM_001303256.3 (MANE Select); coding-DNA position 2504, C replaced by T.
Protein change: p.Thr835Met; replaces threonine 835 with methionine.
Molecular consequence: missense variant.
Genome position (GRCh38, 1-based): chr22:30,932,907, G>A on the plus strand (C>T on the coding strand, the complement: MORC2 is on the minus strand). VCF-style: chr22-30932907-G-A. GRCh37 (hg19) VCF-style: chr22-31328894-G-A.
Other names: c.2504C>T, p.Thr835Met (NM_001303257.2); c.2318C>T, p.Thr773Met (NM_014941.3); short protein forms T773M, T835M.
Identifiers: ClinVar variation 956046 (VCV000956046.9), dbSNP rs760341830, ClinGen allele CA10186643.

ClinVar aggregate classification (germline): Uncertain significance. Review status: criteria provided, multiple submitters, no conflicts (2 of 4 stars). 2 submissions from 2 submitters: Uncertain significance (2). Last evaluated 2025-03-12.

Conditions:
Charcot-Marie-Tooth disease axonal type 2Z. Also called: CHARCOT-MARIE-TOOTH DISEASE, AXONAL, AUTOSOMAL DOMINANT, TYPE 2Z; CHARCOT-MARIE-TOOTH NEUROPATHY, TYPE 2Z. Identifiers: Orphanet 466768, MedGen C5569025, MONDO:0014736, OMIM 616688.
MORC2-related disorder. Also called: MORC2-related condition.

Allele frequency attached by ClinVar (database versions not stated): ExAC 0.00001; gnomAD 0.00001; gnomAD exomes 0.00001.
gnomAD v4.1: 20 of 1,614,024 alleles (0.0012%); highest among the groups gnomAD compares: East Asian, 0.0022%; no homozygotes.

Submissions (2):

PreventionGenetics, part of Exact Sciences
Classification: Uncertain significance for MORC2-related condition. Last evaluated: 2025-03-12. Review status: criteria provided, single submitter. Criteria: ACMG Guidelines, 2015. Collection method: clinical testing. Allele origin: germline.
Comment: The MORC2 c.2504C>T variant is predicted to result in the amino acid substitution p.Thr835Met. To our knowledge, this variant has not been reported in the literature. This variant is reported in 0.0018% of alleles in individuals of European (non-Finnish) descent in gnomAD. At this time, the clinical significance of this variant is uncertain due to the absence of conclusive functional and genetic evidence.

Labcorp Genetics (formerly Invitae), Labcorp
Classification: Uncertain significance for Charcot-Marie-Tooth disease axonal type 2Z. Last evaluated: 2024-02-02. Review status: criteria provided, single submitter. Criteria: Invitae Variant Classification Sherloc (09022015). Collection method: clinical testing. Allele origin: germline.
Comment: This sequence change replaces threonine, which is neutral and polar, with methionine, which is neutral and non-polar, at codon 835 of the MORC2 protein (p.Thr835Met). This variant is present in population databases (rs760341830, gnomAD 0.002%). This variant has not been reported in the literature in individuals affected with MORC2-related conditions. ClinVar contains an entry for this variant (Variation ID: 956046). Advanced modeling of protein sequence and biophysical properties (such as structural, functional, and spatial information, amino acid conservation, physicochemical variation, residue mobility, and thermodynamic stability) has been performed at Invitae for this missense variant, however the output from this modeling did not meet the statistical confidence thresholds required to predict the impact of this variant on MORC2 protein function. In summary, the available evidence is currently insufficient to determine the role of this variant in disease. Therefore, it has been classified as a Variant of Uncertain Significance.